The following is an entry in ClinVar:

NM_001370466.1(NOD2):c.509C>A (p.Ala170Asp)

Gene: NOD2 (nucleotide binding oligomerization domain containing 2; plus strand). Cytogenetic location: 16q12.1.
Variant type: single nucleotide variant.
Coding change: c.509C>A on transcript NM_001370466.1 (MANE Select); coding-DNA position 509, C replaced by A.
Protein change: p.Ala170Asp; replaces alanine 170 with aspartic acid.
Molecular consequence: missense variant. On other transcripts: non-coding transcript variant (1).
Genome position (GRCh38, 1-based): chr16:50,707,904, C>A. VCF-style: chr16-50707904-C-A. GRCh37 (hg19) VCF-style: chr16-50741815-C-A.
Other names: c.590C>A (NM_022162.2); c.509C>A, p.Ala170Asp (NM_001293557.2); c.590C>A, p.Ala197Asp (NM_022162.3); short protein forms A170D, A197D.
Identifiers: ClinVar variation 885262 (VCV000885262.19), dbSNP rs373838219, ClinGen allele CA8051326.

ClinVar aggregate classification (germline): Uncertain significance. Review status: criteria provided, multiple submitters, no conflicts (2 of 4 stars). 6 submissions from 5 submitters: Uncertain significance (6). Last evaluated 2026-01-23.

Conditions:
NOD2-related disorder. Also called: NOD2-related condition.
Inborn genetic diseases. Identifiers: MedGen C0950123, MeSH D030342.
Inflammatory bowel disease 1 (IBD1). Also called: INFLAMMATORY BOWEL DISEASE (CROHN DISEASE) 1; Inflammatory bowel disease 1, Crohn disease. Identifiers: MedGen CN260071, MONDO:0009960, OMIM 266600.
Blau syndrome (BLAUS). Also called: JABS SYNDROME; ARTHROCUTANEOUVEAL GRANULOMATOSIS; GRANULOMATOSIS, FAMILIAL JUVENILE SYSTEMIC; GRANULOMATOSIS, FAMILIAL, BLAU TYPE; GRANULOMATOUS INFLAMMATORY ARTHRITIS, DERMATITIS, AND UVEITIS, FAMILIAL. Identifiers: Orphanet 90340, MedGen C5201146, MONDO:0008523, OMIM 186580.
Regional enteritis. Also called: Enteritis, Granulomatous. Identifiers: MedGen C0678202, MeSH D003424.

Allele frequency attached by ClinVar (database versions not stated): gnomAD exomes 0.00003 and 0.00005; gnomAD 0.00004; TOPMed 0.00005; ESP Exome Variant Server 0.00015.
gnomAD v4.1: 85 of 1,613,964 alleles (0.0053%); highest among the groups gnomAD compares: Non-Finnish European, 0.0064%; no homozygotes.

Submissions (6):

Women's Health and Genetics/Laboratory Corporation of America, LabCorp
Classification: Uncertain significance. Last evaluated: 2026-01-23. Review status: criteria provided, single submitter. Criteria: LabCorp Variant Classification Summary - May 2015. Collection method: clinical testing. Allele origin: germline.

PreventionGenetics, part of Exact Sciences
Classification: Uncertain significance for NOD2-related condition. Last evaluated: 2025-05-19. Review status: criteria provided, single submitter. Criteria: ACMG Guidelines, 2015. Collection method: clinical testing. Allele origin: germline.
Comment: The NOD2 c.590C>A variant is predicted to result in the amino acid substitution p.Ala197Asp. To our knowledge, this variant has not been reported in the literature. This variant is reported in 0.012% of alleles in individuals of African descent in gnomAD. At this time, the clinical significance of this variant is uncertain due to the absence of conclusive functional and genetic evidence.

Ambry Genetics
Classification: Uncertain significance for Inborn genetic diseases. Last evaluated: 2025-04-11. Review status: criteria provided, single submitter. Criteria: Ambry Variant Classification Scheme 2023. Collection method: clinical testing. Allele origin: germline.

Labcorp Genetics (formerly Invitae), Labcorp
Classification: Uncertain significance for Regional enteritis; Blau syndrome. Last evaluated: 2024-06-24. Review status: criteria provided, single submitter. Criteria: Invitae Variant Classification Sherloc (09022015). Collection method: clinical testing. Allele origin: germline.
Comment: This sequence change replaces alanine, which is neutral and non-polar, with aspartic acid, which is acidic and polar, at codon 197 of the NOD2 protein (p.Ala197Asp). This variant is present in population databases (rs373838219, gnomAD 0.01%). This variant has not been reported in the literature in individuals affected with NOD2-related conditions. ClinVar contains an entry for this variant (Variation ID: 885262). Advanced modeling of protein sequence and biophysical properties (such as structural, functional, and spatial information, amino acid conservation, physicochemical variation, residue mobility, and thermodynamic stability) performed at Invitae indicates that this missense variant is not expected to disrupt NOD2 protein function with a negative predictive value of 95%. In summary, the available evidence is currently insufficient to determine the role of this variant in disease. Therefore, it has been classified as a Variant of Uncertain Significance.

Illumina Laboratory Services, Illumina
Classification: Uncertain significance for Inflammatory bowel disease 1. Last evaluated: 2017-04-27. Review status: criteria provided, single submitter. Criteria: ICSL Variant Classification Criteria 13 December 2019. Collection method: clinical testing. Allele origin: germline.

Illumina Laboratory Services, Illumina
Classification: Uncertain significance for Blau syndrome. Last evaluated: 2017-04-27. Review status: criteria provided, single submitter. Criteria: ICSL Variant Classification Criteria 13 December 2019. Collection method: clinical testing. Allele origin: germline.